The following is an entry in ClinVar:

ClinVar aggregate classification (germline): Likely benign (0 of 4 stars; one submission).

Conditions:
ABCA7-related disorder. Also called: ABCA7-related condition.

Allele frequency attached by ClinVar (database versions not stated): ESP Exome Variant Server 0.00015; 1000 Genomes Project 30x 0.00328; 1000 Genomes Project 0.00359.
gnomAD v4.1: 731 of 1,609,448 alleles (0.045%); highest among the groups gnomAD compares: East Asian, 1.3%; 8 homozygotes.

Submission:

PreventionGenetics, part of Exact Sciences
Classification: Likely benign for ABCA7-related condition. Last evaluated: 2019-09-30. Review status: no assertion criteria provided. Collection method: clinical testing. Allele origin: germline.
Comment: This variant is classified as likely benign based on ACMG/AMP sequence variant interpretation guidelines (Richards et al. 2015 PMID: 25741868, with internal and published modifications).

NM_019112.4(ABCA7):c.4323G>T (p.Ala1441=)

Gene: ABCA7 (ATP binding cassette subfamily A member 7; plus strand). Cytogenetic location: 19p13.3.
Variant type: single nucleotide variant.
Coding change: c.4323G>T on transcript NM_019112.4 (MANE Select); coding-DNA position 4323, G replaced by T.
Protein change: p.Ala1441=; no amino-acid change (alanine 1441 retained).
Molecular consequence: synonymous variant.
Genome position (GRCh38, 1-based): chr19:1,056,150, G>T. VCF-style: chr19-1056150-G-T. GRCh37 (hg19) VCF-style: chr19-1056149-G-T.
Identifiers: ClinVar variation 3040762 (VCV003040762.2), dbSNP rs150594667, ClinGen allele CA9034444.
Genomic context (GRCh38, chr19:1,056,150, plus strand): 5'-CCGAGACCCAGGCCTGCCCTCGGGCCAAGAGTTGGGCCGCTCAGTGGAGGAGTTGTGGGC[G>T]CTGCTGAGTCCCCTGCCTGGCGGGGCCCTCGACCGTGTCCTGAAAAACCTCACAGCCTGG-3'
Protein context (NP_061985.2, residues 1431-1451): ELGRSVEELW[Ala1441=]LLSPLPGGAL